The following is an entry in ClinVar:

ClinVar aggregate classification (germline): Uncertain significance (1 of 4 stars; one submission).

Conditions:
Ullrich congenital muscular dystrophy 2 (UCMD2). Identifiers: Orphanet 75840, MedGen C4225314, MONDO:0014654, OMIM 616470.
Bethlem myopathy 2 (BTHLM2). Identifiers: Orphanet 536516, Orphanet 610, MedGen C4225313, MONDO:0034022, OMIM 616471.

gnomAD v4.1: 1 of 1,613,880 alleles (0.000062%); highest among the groups gnomAD compares: South Asian, 0.0011%; no homozygotes.

Submission:

Labcorp Genetics (formerly Invitae), Labcorp
Classification: Uncertain significance for Bethlem myopathy 2; Ullrich congenital muscular dystrophy 2. Last evaluated: 2024-09-27. Review status: criteria provided, single submitter. Criteria: Invitae Variant Classification Sherloc (09022015). Collection method: clinical testing. Allele origin: germline.
Comment: This sequence change replaces arginine, which is basic and polar, with leucine, which is neutral and non-polar, at codon 1054 of the COL12A1 protein (p.Arg1054Leu). This variant is present in population databases (rs577784031, gnomAD 0.003%). This variant has not been reported in the literature in individuals affected with COL12A1-related conditions. Invitae Evidence Modeling of protein sequence and biophysical properties (such as structural, functional, and spatial information, amino acid conservation, physicochemical variation, residue mobility, and thermodynamic stability) indicates that this missense variant is expected to disrupt COL12A1 protein function with a positive predictive value of 80%. In summary, the available evidence is currently insufficient to determine the role of this variant in disease. Therefore, it has been classified as a Variant of Uncertain Significance.

NM_004370.6(COL12A1):c.3161G>T (p.Arg1054Leu)

Gene: COL12A1 (collagen type XII alpha 1 chain; minus strand). Cytogenetic location: 6q13.
Variant type: single nucleotide variant.
Coding change: c.3161G>T on transcript NM_004370.6 (MANE Select); coding-DNA position 3161, G replaced by T.
Protein change: p.Arg1054Leu; replaces arginine 1054 with leucine.
Molecular consequence: missense variant. On other transcripts: intron variant (2).
Genome position (GRCh38, 1-based): chr6:75,156,346, C>A on the plus strand (G>T on the coding strand, the complement: COL12A1 is on the minus strand). VCF-style: chr6-75156346-C-A. GRCh37 (hg19) VCF-style: chr6-75866062-C-A.
Other names: c.3161G>T, p.Arg1054Leu (NM_001424113.1, NM_001424114.1); c.2888G>T, p.Arg963Leu (NM_001424115.1); c.74-3864G>T (NM_001424116.1, NM_080645.3); short protein forms R1054L, R963L.
Identifiers: ClinVar variation 3758208 (VCV003758208.2).